The following is an entry in ClinVar:

ClinVar aggregate classification (germline): Likely benign. Review status: reviewed by expert panel (3 of 4 stars). 5 submissions from 5 submitters: Likely benign (1). 4 of the submissions do not count toward it. Last evaluated 2017-06-29.

Conditions:
Hereditary breast ovarian cancer syndrome. Also called: Hereditary breast and ovarian cancer syndrome; Hereditary breast and ovarian cancer syndrome (HBOC); BRCA1- and BRCA2-Associated Hereditary Breast and Ovarian Cancer; Breast and ovarian cancer; Hereditary breast and ovarian cancer; Hereditary breast and/or ovarian cancer syndrome. Identifiers: Orphanet 145, MedGen C0677776, MeSH D061325, MONDO:0003582. Disease mechanism: loss of function.
Hereditary cancer-predisposing syndrome. Also called: Hereditary Cancer Syndrome; Hereditary neoplastic syndrome; Tumor predisposition; Neoplastic Syndromes, Hereditary. Identifiers: Orphanet 140162, MedGen C0027672, MeSH D009386, MONDO:0015356.
Breast-ovarian cancer, familial, susceptibility to, 1 (BROVCA1). Also called: OVARIAN CANCER, SUSCEPTIBILITY TO; BRCA1 Hereditary Breast and Ovarian Cancer. Identifiers: Orphanet 145, MedGen C2676676, MONDO:0011450, OMIM 604370. Disease mechanism: loss of function.

Allele frequency attached by ClinVar (database versions not stated): gnomAD exomes below 0.00001 and 0.00001; ExAC 0.00002.
gnomAD v4.1: 5 of 1,614,090 alleles (0.00031%); highest among the groups gnomAD compares: Non-Finnish European, 0.00034%; no homozygotes.

Submissions (5):

Evidence-based Network for the Interpretation of Germline Mutant Alleles (ENIGMA)
Classification: Likely benign for Breast-ovarian cancer, familial, susceptibility to, 1. Last evaluated: 2017-06-29. Review status: reviewed by expert panel. Criteria: ENIGMA BRCA1/2 Classification Criteria (2017-06-29). Collection method: curation. Allele origin: germline.
Comment: Synonymous substitution variant, with low bioinformatic likelihood to result in a splicing aberration (Splicing prior probability 0.02).

Labcorp Genetics (formerly Invitae), Labcorp
Classification: Likely benign for Hereditary breast ovarian cancer syndrome. Last evaluated: 2025-05-13. Review status: criteria provided, single submitter. Criteria: Invitae Variant Classification Sherloc (09022015). Collection method: clinical testing. Allele origin: germline. Not counted in ClinVar's aggregate classification.

Quest Diagnostics Nichols Institute San Juan Capistrano
Classification: Likely benign. Last evaluated: 2025-03-11. Review status: criteria provided, single submitter. Criteria: Quest Diagnostics criteria. Collection method: clinical testing. Allele origin: unknown. Not counted in ClinVar's aggregate classification.

Color Diagnostics, LLC DBA Color Health
Classification: Likely benign for Hereditary cancer-predisposing syndrome. Last evaluated: 2022-04-22. Review status: criteria provided, single submitter. Criteria: ACMG Guidelines, 2015. Collection method: clinical testing. Allele origin: germline. Not counted in ClinVar's aggregate classification.

Ambry Genetics
Classification: Likely benign for Hereditary cancer-predisposing syndrome. Last evaluated: 2014-10-13. Review status: criteria provided, single submitter. Criteria: Ambry Variant Classification Scheme 2023. Collection method: clinical testing. Allele origin: germline. Not counted in ClinVar's aggregate classification.

NM_007294.4(BRCA1):c.3615G>A (p.Gly1205=)

Genes: BRCA1 (BRCA1 DNA repair associated; minus strand), LOC126862571 (BRD4-independent group 4 enhancer GRCh37_chr17:41243136-41244335; plus strand). Cytogenetic location: 17q21.31.
Variant type: single nucleotide variant.
Coding change: c.3615G>A on transcript NM_007294.4 (MANE Select); coding-DNA position 3615, G replaced by A.
Protein change: p.Gly1205=; no amino-acid change (glycine 1205 retained).
Molecular consequence: synonymous variant. On other transcripts: intron variant (135).
Genome position (GRCh38, 1-based): chr17:43,091,916, C>T on the plus strand (G>A on the coding strand, the complement: BRCA1 is on the minus strand). VCF-style: chr17-43091916-C-T. GRCh37 (hg19) VCF-style: chr17-41243933-C-T.
Other names: c.662-884G>A (NM_001408433.1, NM_001408446.1, NM_001408435.1 and 6 more transcripts); c.785-884G>A (NM_001408400.1, NM_001408392.1, NM_001407986.1 and 13 more transcripts); c.665-884G>A (NM_001408441.1, NM_001408437.1, NM_001408429.1 and 12 more transcripts); c.788-884G>A (NM_001407979.1, NM_001407977.1, NM_001407982.1 and 17 more transcripts); c.647-884G>A (NM_001408410.1, NM_001408458.1, NM_001408469.1 and 11 more transcripts); c.710-884G>A (NM_001408415.1, NM_001408412.1, NM_001408409.1 and 2 more transcripts); c.578-884G>A (NM_001408483.1, NM_001408481.1, NM_001408480.1 and 9 more transcripts); c.3402G>A, p.Gly1134= (NM_001407571.1, NM_001407853.1, NM_001407894.1 and 9 more transcripts); and 41 more.
Identifiers: ClinVar variation 184109 (VCV000184109.19), dbSNP rs750113197, ClinGen allele CA002312.
Genomic context (GRCh38, chr17:43,091,916, plus strand): 5'-GCAGGGAAGCTCTTCATCCTCACTAGATAAGTTCTCTTCTGAGGACTCTAATTTCTTGGC[C>T]CCTCTTCGGTAACCCTGAGCCAAATGTGTATGGGTGAAAGGGCTAGGACTCCTGCTAAGC-3'
Protein context (NP_009225.1, residues 1195-1215): HTHLAQGYRR[Gly1205=]AKKLESSEEN